The following is an entry in ClinVar:

ClinVar aggregate classification (germline): Uncertain significance (1 of 4 stars; one submission).

Submission:

GeneDx
Classification: Uncertain significance. Last evaluated: 2025-03-13. Review status: criteria provided, single submitter. Criteria: GeneDx Variant Classification Process June 2021. Collection method: clinical testing. Allele origin: germline. Affected: yes.
Comment: Not observed at significant frequency in large population cohorts (gnomAD); In silico analysis supports that this missense variant has a deleterious effect on protein structure/function; Has not been previously published as pathogenic or benign to our knowledge

NM_004963.4(GUCY2C):c.1855A>G (p.Asn619Asp)

Gene: GUCY2C (guanylate cyclase 2C; minus strand). Cytogenetic location: 12p12.3.
Variant type: single nucleotide variant.
Coding change: c.1855A>G on transcript NM_004963.4 (MANE Select); coding-DNA position 1855, A replaced by G.
Protein change: p.Asn619Asp; replaces asparagine 619 with aspartic acid.
Molecular consequence: missense variant.
Genome position (GRCh38, 1-based): chr12:14,643,649, T>C on the plus strand (A>G on the coding strand, the complement: GUCY2C is on the minus strand). VCF-style: chr12-14643649-T-C. GRCh37 (hg19) VCF-style: chr12-14796583-T-C.
Other names: short protein forms N619D.
Identifiers: ClinVar variation 4083313 (VCV004083313.1).